The following is an entry in ClinVar:

ClinVar aggregate classification (germline): Uncertain significance. Review status: criteria provided, multiple submitters, no conflicts (2 of 4 stars). 2 submissions from 2 submitters: Uncertain significance (2). Last evaluated 2022-05-27.

Allele frequency attached by ClinVar (database versions not stated): gnomAD exomes below 0.00001.

Submissions (2):

Blueprint Genetics
Classification: Uncertain significance. Last evaluated: 2022-05-27. Review status: criteria provided, single submitter. Criteria: ACMG Guidelines, 2015. Collection method: clinical testing. Allele origin: germline.

Labcorp Genetics (formerly Invitae), Labcorp
Classification: Uncertain significance. Last evaluated: 2021-11-19. Review status: criteria provided, single submitter. Criteria: Invitae Variant Classification Sherloc (09022015). Collection method: clinical testing. Allele origin: germline.
Comment: This variant is not present in population databases (gnomAD no frequency). This sequence change replaces proline, which is neutral and non-polar, with leucine, which is neutral and non-polar, at codon 296 of the TWNK protein (p.Pro296Leu). This variant has not been reported in the literature in individuals affected with TWNK-related conditions. In summary, the available evidence is currently insufficient to determine the role of this variant in disease. Therefore, it has been classified as a Variant of Uncertain Significance. Advanced modeling of protein sequence and biophysical properties (such as structural, functional, and spatial information, amino acid conservation, physicochemical variation, residue mobility, and thermodynamic stability) performed at Invitae indicates that this missense variant is expected to disrupt TWNK protein function.

NM_021830.5(TWNK):c.887C>T (p.Pro296Leu)

Gene: TWNK (twinkle mtDNA helicase; plus strand). Cytogenetic location: 10q24.31.
Variant type: single nucleotide variant.
Coding change: c.887C>T on transcript NM_021830.5 (MANE Select); coding-DNA position 887, C replaced by T.
Protein change: p.Pro296Leu; replaces proline 296 with leucine.
Molecular consequence: missense variant. On other transcripts: non-coding transcript variant (4), intron variant (3).
Genome position (GRCh38, 1-based): chr10:100,989,097, C>T. VCF-style: chr10-100989097-C-T. GRCh37 (hg19) VCF-style: chr10-102748854-C-T.
Other names: c.887C>T, p.Pro296Leu (NM_001163812.2); c.-119-547C>T (NM_001163814.2, NM_001163813.2); c.-57-609C>T (NM_001368275.1); short protein forms P296L.
Identifiers: ClinVar variation 1437963 (VCV001437963.7), dbSNP rs1240963100, ClinGen allele CA378208769.